The following is an entry in ClinVar:

NM_014946.4(SPAST):c.1413+1G>T

Gene: SPAST (spastin; plus strand). Cytogenetic location: 2p22.3.
Variant type: single nucleotide variant.
Coding change: c.1413+1G>T on transcript NM_014946.4 (MANE Select); the canonical splice donor site of the intron after coding-DNA position 1413, G replaced by T.
Molecular consequence: splice donor variant.
Genome position (GRCh38, 1-based): chr2:32,136,969, G>T. VCF-style: chr2-32136969-G-T. GRCh37 (hg19) VCF-style: chr2-32362038-G-T.
Other names: c.1317+1G>T (NM_199436.2, NM_001377959.1); c.1410+1G>T (NM_001363823.2); c.1314+1G>T (NM_001363875.2).
Identifiers: ClinVar variation 431996 (VCV000431996.5), dbSNP rs1553318276, ClinGen allele CA346502369.

ClinVar aggregate classification (germline): Pathogenic. Review status: criteria provided, multiple submitters, no conflicts (2 of 4 stars). 3 submissions from 3 submitters: Pathogenic (3). Last evaluated 2025-03-05.

Conditions:
Hereditary spastic paraplegia 4. Also called: Spastic Paraplegia 4; Familial spastic paraplegia autosomal dominant 2; Spastic paraplegia 4, autosomal dominant. Identifiers: Orphanet 100985, MedGen C1866855, MONDO:0008438, OMIM 182601.

Submissions (3):

Labcorp Genetics (formerly Invitae), Labcorp
Classification: Pathogenic for Hereditary spastic paraplegia 4. Last evaluated: 2025-03-05. Review status: criteria provided, single submitter. Criteria: Invitae Variant Classification Sherloc (09022015). Collection method: clinical testing. Allele origin: germline.
Comment: This sequence change affects a donor splice site in intron 11 of the SPAST gene. It is expected to disrupt RNA splicing. Variants that disrupt the donor or acceptor splice site typically lead to a loss of protein function (PMID: 16199547), and loss-of-function variants in SPAST are known to be pathogenic (PMID: 20932283). This variant is not present in population databases (gnomAD no frequency). Disruption of this splice site has been observed in individuals with autosomal dominant spastic paraplegia (PMID: 15841487, 16832076, 31227335, 31630374). ClinVar contains an entry for this variant (Variation ID: 431996). Algorithms developed to predict the effect of sequence changes on RNA splicing suggest that this variant may disrupt the consensus splice site. For these reasons, this variant has been classified as Pathogenic.

Athena Diagnostics
Classification: Pathogenic. Last evaluated: 2021-07-29. Review status: criteria provided, single submitter. Criteria: Athena Diagnostics Criteria. Collection method: clinical testing. Allele origin: unknown.
Comment: This variant is expected to severely impact normal RNA splicing, and consequently, protein structure and/or function. This variant was not reported in large, multi-ethnic, general populations. This variant has been identified in at least one individual with clinical features associated with this gene.

GeneDx
Classification: Pathogenic. Last evaluated: 2021-04-30. Review status: criteria provided, single submitter. Criteria: GeneDx Variant Classification Process June 2021. Collection method: clinical testing. Allele origin: germline. Affected: yes.
Comment: Previously reported in an individual with hereditary spastic paraplegia (McDermott et al., 2006); Canonical splice site variant predicted to result in a null allele in a gene for which loss-of-function is a known mechanism of disease; A different pathogenic splice variant at this residue c.1413+1G>A has been reported as pathogenic in the Human Gene Mutation Database in association with spastic paraplegia type 4 (Stenson et al., 2014); Not observed in large population cohorts (Lek et al., 2016); This variant is associated with the following publications: (PMID: 16832076, 25525159)

Literature cited by the submitters: PubMed 16199547 (cited by Labcorp Genetics (formerly Invitae), Labcorp); PubMed 20932283 (cited by Labcorp Genetics (formerly Invitae), Labcorp); PubMed 15841487 (cited by Labcorp Genetics (formerly Invitae), Labcorp); PubMed 16832076 (cited by Labcorp Genetics (formerly Invitae), Labcorp and Athena Diagnostics); PubMed 31227335 (cited by Labcorp Genetics (formerly Invitae), Labcorp); PubMed 31630374 (cited by Labcorp Genetics (formerly Invitae), Labcorp); PubMed 25525159 (cited by Athena Diagnostics).